The following is an entry in ClinVar:

NM_000138.5(FBN1):c.4907del (p.Gly1636fs)

Gene: FBN1 (fibrillin 1; minus strand). Cytogenetic location: 15q21.1.
Variant type: Deletion.
Coding change: c.4907del on transcript NM_000138.5 (MANE Select); coding-DNA position 4907, one base deleted (G; older notation c.4907delG).
Protein change: p.Gly1636fs; shifts the reading frame from glycine 1636.
Molecular consequence: frameshift variant.
Genome position (GRCh38, 1-based): chr15:48,465,603, C deleted on the plus strand (G on the coding strand, the reverse complement: FBN1 is on the minus strand); the first of 2 consecutive C bases (chr15:48,465,603-48,465,604); deleting either gives the same sequence. VCF-style (leftmost placement, unchanged base first): chr15-48465602-GC-G. GRCh37 (hg19) VCF-style: chr15-48757799-GC-G.
Other names: c.4907del, p.Gly1636fs (NM_001406716.1); short protein forms G1636fs.
Identifiers: ClinVar variation 2941026 (VCV002941026.3), dbSNP rs2505496871, ClinGen allele CA2740096585.

ClinVar aggregate classification (germline): Pathogenic (1 of 4 stars; one submission).

Conditions:
Marfan syndrome (MFS). Also called: MARFAN SYNDROME, TYPE I; Marfan syndrome type 1; Marfan's syndrome; Marfan syndrome, classic; FBN1-Related Marfan Syndrome. Identifiers: Orphanet 284963, Orphanet 558, MedGen C0024796, MONDO:0007947, OMIM 154700.
Familial thoracic aortic aneurysm and aortic dissection (TAAD). Also called: Thoracic aortic aneurysms and dissections. Identifiers: Orphanet 91387, MedGen C4707243, MONDO:0019625.

Submission:

Labcorp Genetics (formerly Invitae), Labcorp
Classification: Pathogenic for Marfan syndrome; Familial thoracic aortic aneurysm and aortic dissection. Last evaluated: 2022-10-27. Review status: criteria provided, single submitter. Criteria: Invitae Variant Classification Sherloc (09022015). Collection method: clinical testing. Allele origin: germline.
Comment: For these reasons, this variant has been classified as Pathogenic. This premature translational stop signal has been observed in individual(s) with FBN1-related conditions (PMID: 33824467). This variant is not present in population databases (gnomAD no frequency). This sequence change creates a premature translational stop signal (p.Gly1636Alafs*4) in the FBN1 gene. It is expected to result in an absent or disrupted protein product. Loss-of-function variants in FBN1 are known to be pathogenic (PMID: 17657824, 19293843).

Literature cited by the submitters: PubMed 33824467; PubMed 17657824; PubMed 19293843.